The following is an entry in ClinVar:

NM_000426.4(LAMA2):c.7852T>C (p.Phe2618Leu)

Gene: LAMA2 (laminin subunit alpha 2; plus strand). Cytogenetic location: 6q22.33.
Variant type: single nucleotide variant.
Coding change: c.7852T>C on transcript NM_000426.4 (MANE Select); coding-DNA position 7852, T replaced by C.
Protein change: p.Phe2618Leu; replaces phenylalanine 2618 with leucine.
Molecular consequence: missense variant.
Genome position (GRCh38, 1-based): chr6:129,486,576, T>C. VCF-style: chr6-129486576-T-C. GRCh37 (hg19) VCF-style: chr6-129807721-T-C.
Other names: c.7840T>C, p.Phe2614Leu (NM_001079823.2); short protein forms F2618L, F2614L.
Identifiers: ClinVar variation 2147612 (VCV002147612.2), dbSNP rs757785686, ClinGen allele CA3994677.
Genomic context (GRCh38, chr6:129,486,576, plus strand): 5'-CATCTCTCCACAGGGGCACGAACAATGAGGAAAATTGTGATCAGACCAGAGCCGAATCTG[T>C]TTCATGATGGAAGAGAACATTCCGTTCATGTAGAGCGAACTAGAGGGTAACAATAGCACT-3'
Protein context (NP_000417.3, residues 2608-2628): KIVIRPEPNL[Phe2618Leu]HDGREHSVHV

ClinVar aggregate classification (germline): Uncertain significance. Review status: criteria provided, multiple submitters, no conflicts (2 of 4 stars). 2 submissions from 2 submitters: Uncertain significance (2). Last evaluated 2024-03-30.

Conditions:
LAMA2-related muscular dystrophy (LAMA2-RD). Also called: Laminin alpha 2-related dystrophy. Identifiers: MedGen C5679788, MONDO:0100228.
Inborn genetic diseases. Identifiers: MedGen C0950123, MeSH D030342.

Allele frequency attached by ClinVar (database versions not stated): gnomAD exomes 0.00001; ExAC 0.00002.
gnomAD v4.1: 4 of 1,614,008 alleles (0.00025%); highest among the groups gnomAD compares: Admixed American, 0.0067%; no homozygotes.

Submissions (2):

Ambry Genetics
Classification: Uncertain significance for Inborn genetic diseases. Last evaluated: 2024-03-30. Review status: criteria provided, single submitter. Criteria: Ambry Variant Classification Scheme 2023. Collection method: clinical testing. Allele origin: germline.

Labcorp Genetics (formerly Invitae), Labcorp
Classification: Uncertain significance for LAMA2-related muscular dystrophy. Last evaluated: 2022-10-13. Review status: criteria provided, single submitter. Criteria: Invitae Variant Classification Sherloc (09022015). Collection method: clinical testing. Allele origin: germline.
Comment: This sequence change replaces phenylalanine, which is neutral and non-polar, with leucine, which is neutral and non-polar, at codon 2618 of the LAMA2 protein (p.Phe2618Leu). This variant is present in population databases (rs757785686, gnomAD 0.01%). This variant has not been reported in the literature in individuals affected with LAMA2-related conditions. Advanced modeling of protein sequence and biophysical properties (such as structural, functional, and spatial information, amino acid conservation, physicochemical variation, residue mobility, and thermodynamic stability) performed at Invitae indicates that this missense variant is not expected to disrupt LAMA2 protein function. In summary, the available evidence is currently insufficient to determine the role of this variant in disease. Therefore, it has been classified as a Variant of Uncertain Significance.